The following is an entry in ClinVar:

NM_006158.5(NEFL):c.1356C>G (p.Ile452Met)

Gene: NEFL (neurofilament light chain; minus strand). Cytogenetic location: 8p21.2.
Variant type: single nucleotide variant.
Coding change: c.1356C>G on transcript NM_006158.5 (MANE Select); coding-DNA position 1356, C replaced by G.
Protein change: p.Ile452Met; replaces isoleucine 452 with methionine.
Molecular consequence: missense variant.
Genome position (GRCh38, 1-based): chr8:24,953,609, G>C on the plus strand (C>G on the coding strand, the complement: NEFL is on the minus strand). VCF-style: chr8-24953609-G-C. GRCh37 (hg19) VCF-style: chr8-24811123-G-C.
Other names: short protein forms I452M.
Identifiers: ClinVar variation 1021640 (VCV001021640.5), dbSNP rs375151853, ClinGen allele CA370620112.

ClinVar aggregate classification (germline): Uncertain significance (1 of 4 stars; one submission).

Conditions:
Charcot-Marie-Tooth disease type 2E (CMT2E). Also called: CHARCOT-MARIE-TOOTH DISEASE, AXONAL, TYPE 2E; CHARCOT-MARIE-TOOTH NEUROPATHY, TYPE 2E. Identifiers: Orphanet 99939, MedGen C1843225, MONDO:0011894, OMIM 607684.

Submission:

Labcorp Genetics (formerly Invitae), Labcorp
Classification: Uncertain significance for Charcot-Marie-Tooth disease type 2E. Last evaluated: 2020-09-08. Review status: criteria provided, single submitter. Criteria: Invitae Variant Classification Sherloc (09022015). Collection method: clinical testing. Allele origin: germline.
Comment: Experimental studies and prediction algorithms are not available or were not evaluated, and the functional significance of this variant is currently unknown. In summary, the available evidence is currently insufficient to determine the role of this variant in disease. Therefore, it has been classified as a Variant of Uncertain Significance. This variant has not been reported in the literature in individuals with NEFL-related conditions. This variant is not present in population databases (ExAC no frequency). This sequence change replaces isoleucine with methionine at codon 452 of the NEFL protein (p.Ile452Met). The isoleucine residue is moderately conserved and there is a small physicochemical difference between isoleucine and methionine.